The following is an entry in ClinVar:

ClinVar aggregate classification (germline): Likely benign. Review status: criteria provided, multiple submitters, no conflicts (2 of 4 stars). 4 submissions from 4 submitters: Likely benign (3). 1 of the submissions does not count toward it. Last evaluated 2024-12-10.

Conditions:
Fanconi anemia (FA). Also called: Fanconi's anemia. Identifiers: Orphanet 84, MedGen C0015625, MeSH D005199, MONDO:0019391.
SLX4-related disorder. Also called: SLX4-related condition.
Fanconi anemia complementation group A (FANCA). Also called: FANCA-Related Fanconi Anemia; Fanconi anemia, group A. Identifiers: Orphanet 84, MedGen C3469521, MONDO:0009215, OMIM 227650.

Allele frequency attached by ClinVar (database versions not stated): TOPMed 0.00011; gnomAD exomes 0.00016; ExAC 0.00017; gnomAD 0.00035.
gnomAD v4.1: 122 of 1,613,558 alleles (0.0076%); highest among the groups gnomAD compares: East Asian, 0.26%; 1 homozygote.

Submissions (4):

PreventionGenetics, part of Exact Sciences
Classification: Likely benign for SLX4-related condition. Last evaluated: 2024-12-10. Review status: criteria provided, single submitter. Criteria: ACMG Guidelines, 2015. Collection method: clinical testing. Allele origin: germline.
Comment: This variant is classified as likely benign based on ACMG/AMP sequence variant interpretation guidelines (Richards et al. 2015 PMID: 25741868, with internal and published modifications).

Sema4
Classification: Likely benign for Fanconi anemia. Last evaluated: 2022-02-28. Review status: criteria provided, single submitter. Criteria: Sema4 Curation Guidelines. Collection method: curation. Allele origin: germline.

Mendelics
Classification: Likely benign for Fanconi anemia complementation group A. Last evaluated: 2019-05-28. Review status: criteria provided, single submitter. Criteria: Mendelics Assertion Criteria 2017. Collection method: clinical testing. Allele origin: unknown.

Department of Pathology and Laboratory Medicine, Sinai Health System
Classification: Uncertain significance. Review status: no assertion criteria provided. Collection method: clinical testing. Allele origin: unknown. Affected: yes. Study: The Canadian Open Genetics Repository (COGR). Not counted in ClinVar's aggregate classification.
Comment: The SLX4 p.A1750S variant was not identified in the literature but was identified in dbSNP (ID: rs771897046) and ClinVar (classified as likely benign by Mendelics). The variant was identified in control databases in 51 of 281696 chromosomes at a frequency of 0.0001810, and was observed at the highest frequency in the East Asian population in 50 of 19912 chromosomes (freq: 0.002511) (Genome Aggregation Database March 6, 2019, v2.1.1). The p.A1750 residue is conserved in mammals but not in more distantly related organisms and computational analyses (MUT Assesor, PolyPhen-2, SIFT, MutationTaster, Revel, FATHMM, MetaLR, DANN) do not suggest a high likelihood of impact to the protein; this information is not predictive enough to rule out pathogenicity. The variant occurs outside of the splicing consensus sequence and in silico or computational prediction software programs (Splice AI exome) do not predict a difference in splicing. In summary, based on the above information the clinical significance of this variant cannot be determined with certainty at this time. This variant is classified as a variant of uncertain significance.

NM_032444.4(SLX4):c.5248G>T (p.Ala1750Ser)

Gene: SLX4 (SLX4 structure-specific endonuclease subunit; minus strand). Cytogenetic location: 16p13.3.
Variant type: single nucleotide variant.
Coding change: c.5248G>T on transcript NM_032444.4 (MANE Select); coding-DNA position 5248, G replaced by T.
Protein change: p.Ala1750Ser; replaces alanine 1750 with serine.
Molecular consequence: missense variant.
Genome position (GRCh38, 1-based): chr16:3,582,599, C>A on the plus strand (G>T on the coding strand, the complement: SLX4 is on the minus strand). VCF-style: chr16-3582599-C-A. GRCh37 (hg19) VCF-style: chr16-3632600-C-A.
Other names: c.5248G>T (NM_032444.3); short protein forms A1750S.
Identifiers: ClinVar variation 803192 (VCV000803192.4), dbSNP rs771897046, ClinGen allele CA7865362.